The following is an entry in ClinVar:

NM_000277.3(PAH):c.603T>G (p.His201Gln)

Gene: PAH (phenylalanine hydroxylase; minus strand). Cytogenetic location: 12q23.2.
Variant type: single nucleotide variant.
Coding change: c.603T>G on transcript NM_000277.3 (MANE Select); coding-DNA position 603, T replaced by G.
Protein change: p.His201Gln; replaces histidine 201 with glutamine.
Molecular consequence: missense variant.
Genome position (GRCh38, 1-based): chr12:102,855,239, A>C on the plus strand (T>G on the coding strand, the complement: PAH is on the minus strand). VCF-style: chr12-102855239-A-C. GRCh37 (hg19) VCF-style: chr12-103249017-A-C.
Other names: NM_001354304.2:c.603T>G; c.603T>G, p.His201Gln (NM_001354304.2); short protein forms H201Q.
Identifiers: ClinVar variation 1460083 (VCV001460083.6), dbSNP rs751977644, ClinGen allele CA16020826.

ClinVar aggregate classification (germline): Likely pathogenic. Review status: reviewed by expert panel (3 of 4 stars). 2 submissions from 2 submitters: Likely pathogenic (1). 1 of the submissions does not count toward it. Last evaluated 2023-03-16.

Conditions:
Phenylketonuria (PKU). Also called: OLIGOPHRENIA PHENYLPYRUVICA; Phenylketonurias; Phenylketonuria (PKU); FOLLING DISEASE. Identifiers: Orphanet 716, MedGen C0031485, MONDO:0009861, OMIM 261600. Disease mechanism: loss of function.

gnomAD v4.1: 3 of 1,614,104 alleles (0.00019%); highest among the groups gnomAD compares: South Asian, 0.0033%; no homozygotes.

Submissions (2):

ClinGen PAH Variant Curation Expert Panel
Classification: Likely pathogenic for Phenylketonuria. Last evaluated: 2023-03-16. Review status: reviewed by expert panel. Criteria: ClinGen PAH ACMG Specifications v1. Collection method: curation. Allele origin: germline. Inheritance: Autosomal recessive inheritance.
Comment: The c.603T>G (p.His201Gln) variant in PAH has been reported in at least one individual with classic PKU (PMID: 20920871), where it was observed in trans with p.Arg243Ter (Variation ID: 588, classified as Pathogenic by the PAH VCEP). In-vitro functional studies are unavailable. This variant is absent from population databases. Multiple lines of computational evidence support a deleterious effect. In summary, this variant meets criteria to be classified as likely pathogenic for PAH. PAH-specific ACMG/AMP criteria applied: PM2, PP3, PP4, PM3.

Labcorp Genetics (formerly Invitae), Labcorp
Classification: Pathogenic for Phenylketonuria. Last evaluated: 2021-10-23. Review status: criteria provided, single submitter. Criteria: Invitae Variant Classification Sherloc (09022015). Collection method: clinical testing. Allele origin: germline. Not counted in ClinVar's aggregate classification.
Comment: Advanced modeling of protein sequence and biophysical properties (such as structural, functional, and spatial information, amino acid conservation, physicochemical variation, residue mobility, and thermodynamic stability) performed at Invitae indicates that this missense variant is expected to disrupt PAH protein function. This missense change has been observed in individuals with hyperphenylalaninemia (PMID: 20920871, 32668217). This variant is not present in population databases (gnomAD no frequency). This sequence change replaces histidine, a(n) basic and polar amino acid, with glutamine, a(n) neutral and polar amino acid, at codon 201 of the PAH protein (p.His201Gln). This variant disrupts the p.His201 amino acid residue in PAH. Other variant(s) that disrupt this residue have been determined to be pathogenic (PMID: 9521426, 10598814, 16198137, 23792259). This suggests that this residue is clinically significant, and that variants that disrupt this residue are likely to be disease-causing. For these reasons, this variant has been classified as Pathogenic.

Literature cited by the submitters: PubMed 20920871 (cited by Labcorp Genetics (formerly Invitae), Labcorp); PubMed 32668217 (cited by Labcorp Genetics (formerly Invitae), Labcorp); PubMed 9521426 (cited by Labcorp Genetics (formerly Invitae), Labcorp); PubMed 10598814 (cited by Labcorp Genetics (formerly Invitae), Labcorp); PubMed 16198137 (cited by Labcorp Genetics (formerly Invitae), Labcorp); PubMed 23792259 (cited by Labcorp Genetics (formerly Invitae), Labcorp).